The following is an entry in ClinVar:

NM_170754.4(TNS2):c.1252G>A (p.Val418Met)

Gene: TNS2 (tensin 2; plus strand). Cytogenetic location: 12q13.13.
Variant type: single nucleotide variant.
Coding change: c.1252G>A on transcript NM_170754.4 (MANE Select); coding-DNA position 1252, G replaced by A.
Protein change: p.Val418Met; replaces valine 418 with methionine.
Molecular consequence: missense variant.
Genome position (GRCh38, 1-based): chr12:53,058,598, G>A. VCF-style: chr12-53058598-G-A. GRCh37 (hg19) VCF-style: chr12-53452382-G-A.
Other names: c.1252G>A, p.Val418Met (NM_001416202.1, NM_001416204.1); c.1183G>A, p.Val395Met (NM_001416203.1, NM_015319.3); c.880G>A, p.Val294Met (NM_198316.2); short protein forms V294M, V395M, V418M.
Identifiers: ClinVar variation 3047220 (VCV003047220.4), dbSNP rs537801235, ClinGen allele CA6592263.

ClinVar aggregate classification (germline): Conflicting classifications of pathogenicity. Review status: criteria provided, conflicting classifications (1 of 4 stars). 3 submissions from 3 submitters: Uncertain significance (1); Likely benign (1). 1 of the submissions does not count toward it. Last evaluated 2026-01-07.

Conditions:
TNS2-related disorder. Also called: TNS2-related condition.

Allele frequency attached by ClinVar (database versions not stated): TOPMed 0.00003; 1000 Genomes Project 30x 0.00016; gnomAD exomes 0.00017; 1000 Genomes Project 0.00020; ExAC 0.00035.
gnomAD v4.1: 261 of 1,614,104 alleles (0.016%); highest among the groups gnomAD compares: South Asian, 0.21%; 4 homozygotes.

Submissions (3):

Labcorp Genetics (formerly Invitae), Labcorp
Classification: Likely benign. Last evaluated: 2026-01-07. Review status: criteria provided, single submitter. Criteria: Invitae Variant Classification Sherloc (09022015). Collection method: clinical testing. Allele origin: germline.

Ambry Genetics
Classification: Uncertain significance. Last evaluated: 2025-08-21. Review status: criteria provided, single submitter. Criteria: Ambry Variant Classification Scheme 2023. Collection method: clinical testing. Allele origin: germline.

PreventionGenetics, part of Exact Sciences
Classification: Likely benign for TNS2-related condition. Last evaluated: 2022-10-24. Review status: no assertion criteria provided. Collection method: clinical testing. Allele origin: germline. Not counted in ClinVar's aggregate classification.
Comment: This variant is classified as likely benign based on ACMG/AMP sequence variant interpretation guidelines (Richards et al. 2015 PMID: 25741868, with internal and published modifications).